The following is an entry in ClinVar:

ClinVar aggregate classification (germline): Pathogenic (1 of 4 stars; one submission).

Conditions:
Maturity-onset diabetes of the young type 1. Also called: MILD JUVENILE DIABETES MELLITUS; MODY, type I; MODY type 1; Diabetes mellitus MODY type 1; MODY HNF4A related; HNF4A-Related Maturity-Onset Diabetes of the Young Type 1. Identifiers: Orphanet 552, MedGen C1852093, MONDO:0007452, OMIM 125850. Disease mechanism: loss of function.

Allele frequency attached by ClinVar (database versions not stated): gnomAD exomes below 0.00001; gnomAD 0.00001.

Submission:

Geisinger Clinic, Geisinger Health System
Classification: Pathogenic for Maturity-onset diabetes of the young type 1. Last evaluated: 2022-08-02. Review status: criteria provided, single submitter. Criteria: ACMG Guidelines, 2015. Collection method: research. Allele origin: germline. Inheritance: Autosomal dominant inheritance. Affected: yes. Observed: 10 variant alleles.
Comment: PVS1, PM2

Literature cited by the submitters: PubMed 36257325.

NM_175914.5(HNF4A):c.1086dup (p.Ala363fs)

Gene: HNF4A (hepatocyte nuclear factor 4 alpha; plus strand). Cytogenetic location: 20q13.12.
Variant type: Duplication.
Coding change: c.1086dup on transcript NM_175914.5 (MANE Select); coding-DNA position 1086, one base duplicated (T; older notation c.1086dupT).
Protein change: p.Ala363fs; shifts the reading frame from alanine 363.
Molecular consequence: frameshift variant.
Genome position (GRCh38, 1-based): chr20:44,428,357, T duplicated. VCF-style (leftmost placement, unchanged base first): chr20-44428356-A-AT. GRCh37 (hg19) VCF-style: chr20-43056996-A-AT.
Other names: c.1152dup, p.Ala385fs (NM_000457.6, NM_178849.3); c.1086dup, p.Ala363fs (NM_001030003.3); c.1131dup, p.Ala378fs (NM_001258355.2); c.1077dup, p.Ala360fs (NM_001287182.2, NM_001287183.2); short protein forms A360fs, A363fs, A378fs, A385fs.
Identifiers: ClinVar variation 1700669 (VCV001700669.2), dbSNP rs2063837029, ClinGen allele CA1017837118.
Genomic context (GRCh38, chr20:44,428,356, plus strand): 5'-CCCAGACTCTCCATCCTGATCGACCTTCTCTACCTGCAGGGTCCCCCAGCGATGCACCCC[A>AT]TGCCCACCACCCCCTGCACCCTCACCTGATGCAGGAACATATGGGAACCAACGTCATCGT-3'